The following is an entry in ClinVar:

NM_001563.4(IMPG1):c.859G>A (p.Gly287Arg)

Gene: IMPG1 (interphotoreceptor matrix proteoglycan 1; minus strand). Cytogenetic location: 6q14.1.
Variant type: single nucleotide variant.
Coding change: c.859G>A on transcript NM_001563.4 (MANE Select); coding-DNA position 859, G replaced by A.
Protein change: p.Gly287Arg; replaces glycine 287 with arginine.
Molecular consequence: missense variant.
Genome position (GRCh38, 1-based): chr6:76,011,173, C>T on the plus strand (G>A on the coding strand, the complement: IMPG1 is on the minus strand). VCF-style: chr6-76011173-C-T. GRCh37 (hg19) VCF-style: chr6-76720890-C-T.
Other names: c.625G>A, p.Gly209Arg (NM_001282368.2); short protein forms G287R, G209R.
Identifiers: ClinVar variation 4773618 (VCV004773618.2).
Genomic context (GRCh38, chr6:76,011,173, plus strand): 5'-GGATAGGAAGAAAGTAATTTAAAAATTGAGAAGAGTTTGATTCTCTTACTTACCTAAATC[C>T]TAACACATGGATTTTTTTGAATCCTGGAAGTTTCTTAAATATCTTTTGCATCTGCAGAGA-3'
Protein context (NP_001554.2, residues 277-297): LPGFKKIHVL[Gly287Arg]FRPKKEKDGS

ClinVar aggregate classification (germline): Uncertain significance. Review status: criteria provided, multiple submitters, no conflicts (2 of 4 stars). 2 submissions from 2 submitters: Uncertain significance (2). Last evaluated 2025-06-25.

Submissions (2):

Labcorp Genetics (formerly Invitae), Labcorp
Classification: Uncertain significance. Last evaluated: 2025-06-25. Review status: criteria provided, single submitter. Criteria: Invitae Variant Classification Sherloc (09022015). Collection method: clinical testing. Allele origin: germline.
Comment: This sequence change replaces glycine, which is neutral and non-polar, with arginine, which is basic and polar, at codon 287 of the IMPG1 protein (p.Gly287Arg). This variant is not present in population databases (gnomAD no frequency). This variant has not been reported in the literature in individuals affected with IMPG1-related conditions. An algorithm developed to predict the effect of missense changes on protein structure and function (PolyPhen-2) suggests that this variant is likely to be disruptive. In summary, the available evidence is currently insufficient to determine the role of this variant in disease. Therefore, it has been classified as a Variant of Uncertain Significance.

Blueprint Genetics
Classification: Uncertain significance. Last evaluated: 2024-10-29. Review status: criteria provided, single submitter. Criteria: ACMG Guidelines, 2015. Collection method: clinical testing. Allele origin: germline.